The following is an entry in ClinVar:

ClinVar aggregate classification (germline): Uncertain significance (1 of 4 stars; one submission).

Conditions:
IMPG1-related disorder. Also called: IMPG1-related condition.

Submission:

PreventionGenetics, part of Exact Sciences
Classification: Uncertain significance for IMPG1-related condition. Last evaluated: 2026-08-05. Review status: criteria provided, single submitter. Criteria: ACMG Guidelines, 2015. Collection method: clinical testing. Allele origin: germline.
Comment: The IMPG1 c.1841G>T variant is predicted to result in the amino acid substitution p.Arg614Leu. To our knowledge, this variant has not been reported in the literature or in a large population database (gnomAD), indicating this variant is rare. At this time, the clinical significance of this variant is uncertain due to the absence of conclusive functional and genetic evidence.

NM_001563.4(IMPG1):c.1841G>T (p.Arg614Leu)

Gene: IMPG1 (interphotoreceptor matrix proteoglycan 1; minus strand). Cytogenetic location: 6q14.1.
Variant type: single nucleotide variant.
Coding change: c.1841G>T on transcript NM_001563.4 (MANE Select); coding-DNA position 1841, G replaced by T.
Protein change: p.Arg614Leu; replaces arginine 614 with leucine.
Molecular consequence: missense variant.
Genome position (GRCh38, 1-based): chr6:75,947,517, C>A on the plus strand (G>T on the coding strand, the complement: IMPG1 is on the minus strand). VCF-style: chr6-75947517-C-A. GRCh37 (hg19) VCF-style: chr6-76657234-C-A.
Other names: c.1607G>T, p.Arg536Leu (NM_001282368.2); short protein forms R614L, R536L.
Identifiers: ClinVar variation 4984568 (VCV004984568.1).